The following is an entry in ClinVar:

NM_194248.3(OTOF):c.3683G>A (p.Arg1228His)

Gene: OTOF (otoferlin; minus strand). Cytogenetic location: 2p23.3.
Variant type: single nucleotide variant.
Coding change: c.3683G>A on transcript NM_194248.3 (MANE Select); coding-DNA position 3683, G replaced by A.
Protein change: p.Arg1228His; replaces arginine 1228 with histidine.
Molecular consequence: missense variant.
Genome position (GRCh38, 1-based): chr2:26,473,182, C>T on the plus strand (G>A on the coding strand, the complement: OTOF is on the minus strand). VCF-style: chr2-26473182-C-T. GRCh37 (hg19) VCF-style: chr2-26696050-C-T.
Other names: c.3683G>A, p.Arg1228His (NM_001287489.2); c.1442G>A, p.Arg481His (NM_004802.4, NM_194323.3); c.1613G>A, p.Arg538His (NM_194322.3); short protein forms R481H, R1228H, R538H.
Identifiers: ClinVar variation 2904124 (VCV002904124.6), dbSNP rs553313212, ClinGen allele CA44395653.

ClinVar aggregate classification (germline): Conflicting classifications of pathogenicity. Review status: criteria provided, conflicting classifications (1 of 4 stars). 3 submissions from 3 submitters: Uncertain significance (1); Likely benign (1). 1 of the submissions does not count toward it. Last evaluated 2026-07-01.

Conditions:
Auditory neuropathy spectrum disorder. Identifiers: MedGen C2732267.

Allele frequency attached by ClinVar (database versions not stated): gnomAD 0.00001; gnomAD exomes 0.00001; TOPMed 0.00001; 1000 Genomes Project 30x 0.00016; 1000 Genomes Project 0.00020.
gnomAD v4.1: 12 of 1,612,916 alleles (0.00074%); highest among the groups gnomAD compares: African/African-American, 0.004%; no homozygotes.

Submissions (3):

CeGaT Center for Human Genetics Tuebingen
Classification: Uncertain significance. Last evaluated: 2026-07-01. Review status: criteria provided, single submitter. Criteria: CeGaT Center For Human Genetics Tuebingen Variant Classification Criteria Version 2. Collection method: clinical testing. Allele origin: germline. Affected: yes. Observed: 1 variant allele.
Comment: OTOF: PM2

Labcorp Genetics (formerly Invitae), Labcorp
Classification: Likely benign. Last evaluated: 2023-10-13. Review status: criteria provided, single submitter. Criteria: Invitae Variant Classification Sherloc (09022015). Collection method: clinical testing. Allele origin: germline.

Department of Otolaryngology, Head and Neck Surgery, Beijing Friendship Hospital, Capital Medical University
Classification: Pathogenic for Auditory neuropathy spectrum disorder. Last evaluated: 2020-10-20. Review status: no assertion criteria provided. Collection method: clinical testing. Allele origin: inherited. Inheritance: Autosomal recessive inheritance. Affected: yes. Not counted in ClinVar's aggregate classification.